The following is an entry in ClinVar:

ClinVar aggregate classification (germline): Uncertain significance. Review status: criteria provided, multiple submitters, no conflicts (2 of 4 stars). 2 submissions from 2 submitters: Uncertain significance (2). Last evaluated 2022-04-25.

Conditions:
Peroxisome biogenesis disorder 2B (PBD2B). Identifiers: Orphanet 44, MedGen C3550234, MONDO:0008736, OMIM 202370.
Inborn genetic diseases. Identifiers: MedGen C0950123, MeSH D030342.

Allele frequency attached by ClinVar (database versions not stated): TOPMed 0.00002; gnomAD 0.00004.
gnomAD v4.1: 18 of 1,613,992 alleles (0.0011%); highest among the groups gnomAD compares: African/African-American, 0.008%; no homozygotes.

Submissions (2):

Ambry Genetics
Classification: Uncertain significance for Inborn genetic diseases. Last evaluated: 2022-04-25. Review status: criteria provided, single submitter. Criteria: Ambry Variant Classification Scheme 2023. Collection method: clinical testing. Allele origin: germline.

Labcorp Genetics (formerly Invitae), Labcorp
Classification: Uncertain significance for Peroxisome biogenesis disorder 2B. Last evaluated: 2022-01-12. Review status: criteria provided, single submitter. Criteria: Invitae Variant Classification Sherloc (09022015). Collection method: clinical testing. Allele origin: germline.
Comment: This sequence change replaces arginine, which is basic and polar, with glutamine, which is neutral and polar, at codon 427 of the PEX5 protein (p.Arg427Gln). This variant is present in population databases (rs774915360, gnomAD 0.007%). This variant has not been reported in the literature in individuals affected with PEX5-related conditions. ClinVar contains an entry for this variant (Variation ID: 1047181). Algorithms developed to predict the effect of missense changes on protein structure and function (SIFT, PolyPhen-2, Align-GVGD) all suggest that this variant is likely to be tolerated. In summary, the available evidence is currently insufficient to determine the role of this variant in disease. Therefore, it has been classified as a Variant of Uncertain Significance.

NM_001351132.2(PEX5):c.1280G>A (p.Arg427Gln)

Gene: PEX5 (peroxisomal biogenesis factor 5; plus strand). Cytogenetic location: 12p13.31.
Variant type: single nucleotide variant.
Coding change: c.1280G>A on transcript NM_001351132.2 (MANE Select); coding-DNA position 1280, G replaced by A.
Protein change: p.Arg427Gln; replaces arginine 427 with glutamine.
Molecular consequence: missense variant.
Genome position (GRCh38, 1-based): chr12:7,208,555, G>A. VCF-style: chr12-7208555-G-A. GRCh37 (hg19) VCF-style: chr12-7361151-G-A.
Other names: c.1256G>A, p.Arg419Gln (NM_000319.5); c.1325G>A, p.Arg442Gln (NM_001131023.2); c.1169G>A, p.Arg390Gln (NM_001131024.2, NM_001351124.3, NM_001351126.2 and 7 more transcripts); c.1280G>A, p.Arg427Gln (NM_001131025.2, NM_001131026.2, NM_001300789.3 and 4 more transcripts); c.1214G>A, p.Arg405Gln (NM_001351135.3, NM_001351138.2); c.1271G>A, p.Arg424Gln (NM_001351136.2); c.1145G>A, p.Arg382Gln (NM_001351139.2, NM_001351140.2, NM_001374649.2); c.1280G>A (NM_001131025.1); short protein forms R390Q, R424Q, R442Q, R382Q, R419Q, R405Q, R427Q.
Identifiers: ClinVar variation 1047181 (VCV001047181.7), dbSNP rs774915360, ClinGen allele CA6426416.
Genomic context (GRCh38, chr12:7,208,555, plus strand): 5'-TGGCGCTGGCTGTGAGCTTCACCAACGAGTCCCTGCAGCGACAGGCCTGTGAAACCCTAC[G>A]AGACTGGCTGCGGTACACACCAGCCTATGCCCATCTGGTGACACCTGCTGAAGAAGGGGC-3'
Protein context (NP_001338061.1, residues 417-437): SLQRQACETL[Arg427Gln]DWLRYTPAYA